The following is an entry in ClinVar:

NM_000548.5(TSC2):c.5156C>A (p.Ala1719Glu)

Gene: TSC2 (TSC complex subunit 2; plus strand). Cytogenetic location: 16p13.3.
Variant type: single nucleotide variant.
Coding change: c.5156C>A on transcript NM_000548.5 (MANE Select); coding-DNA position 5156, C replaced by A.
Protein change: p.Ala1719Glu; replaces alanine 1719 with glutamic acid.
Molecular consequence: missense variant. On other transcripts: non-coding transcript variant (5).
Genome position (GRCh38, 1-based): chr16:2,088,135, C>A. VCF-style: chr16-2088135-C-A. GRCh37 (hg19) VCF-style: chr16-2138136-C-A.
Other names: c.3611C>A, p.Ala1204Glu (NM_001406695.1, NM_001406696.1, NM_001406697.1); c.3353C>A, p.Ala1118Glu (NM_001406698.1); c.5027C>A, p.Ala1676Glu (NM_021055.3, NM_001370405.1); c.4424C>A (NM_001318831.1); c.4355C>A, p.Ala1452Glu (NM_001406687.1, NM_001406688.1); c.3743C>A, p.Ala1248Glu (NM_001406689.1); c.3683C>A, p.Ala1228Glu (NM_001406690.1); c.3680C>A, p.Ala1227Glu (NM_001406691.1); and 27 more; short protein forms A1118E, A1228E, A1453E, A1499E, A1519E, A1603E, A1648E, A1653E.
Identifiers: ClinVar variation 2740269 (VCV002740269.5), dbSNP rs2091100543, ClinGen allele CA394312666.
Genomic context (GRCh38, chr16:2,088,135, plus strand): 5'-TGGCCAAGATCGTGTCTGACCGCAACCTGCCCTTCGTGGCCCGCCAGATGGCCCTGCACG[C>A]AAATGTGAGTGGGGGTGGGTCCAGGCGTGAGCTGGTGGGACAGGCCCAGGTGCCACCTGA-3'
Protein context (NP_000539.2, residues 1709-1729): PFVARQMALH[Ala1719Glu]NMASQVHHSR

ClinVar aggregate classification (germline): Conflicting classifications of pathogenicity. Review status: criteria provided, conflicting classifications (1 of 4 stars). 3 submissions from 3 submitters: Likely pathogenic (1); Uncertain significance (2). Last evaluated 2025-05-27.

Conditions:
Tuberous sclerosis 2 (TSC2). Identifiers: Orphanet 805, MedGen C1860707, MONDO:0013199, OMIM 613254.

Submissions (3):

Women's Health and Genetics/Laboratory Corporation of America, LabCorp
Classification: Uncertain significance. Last evaluated: 2025-05-27. Review status: criteria provided, single submitter. Criteria: LabCorp Variant Classification Summary - May 2015. Collection method: clinical testing. Allele origin: germline.
Comment: Variant summary: TSC2 c.5156C>A (p.Ala1719Glu) results in a non-conservative amino acid change in the encoded protein sequence. Algorithms developed to predict the effect of missense changes on protein structure and function all suggest that this variant is likely to be disruptive. The variant was absent in 250272 control chromosomes. The available data on variant occurrences in the general population are insufficient to allow any conclusion about variant significance. To our knowledge, no occurrence of c.5156C>A in individuals affected with Tuberous Sclerosis Complex and no experimental evidence demonstrating its impact on protein function have been reported. ClinVar contains an entry for this variant (Variation ID: 2740269). Based on the evidence outlined above, the variant was classified as uncertain significance.

Genomic Medicine Center of Excellence, King Faisal Specialist Hospital and Research Centre
Classification: Likely pathogenic for Tuberous sclerosis 2. Last evaluated: 2024-09-22. Review status: criteria provided, single submitter. Criteria: ACMG Guidelines, 2015. Collection method: clinical testing. Allele origin: germline.

Labcorp Genetics (formerly Invitae), Labcorp
Classification: Uncertain significance for Tuberous sclerosis 2. Last evaluated: 2023-09-22. Review status: criteria provided, single submitter. Criteria: Invitae Variant Classification Sherloc (09022015). Collection method: clinical testing. Allele origin: germline.
Comment: In summary, the available evidence is currently insufficient to determine the role of this variant in disease. Therefore, it has been classified as a Variant of Uncertain Significance. Advanced modeling of protein sequence and biophysical properties (such as structural, functional, and spatial information, amino acid conservation, physicochemical variation, residue mobility, and thermodynamic stability) has been performed at Invitae for this missense variant, however the output from this modeling did not meet the statistical confidence thresholds required to predict the impact of this variant on TSC2 protein function. This variant has not been reported in the literature in individuals affected with TSC2-related conditions. This variant is not present in population databases (gnomAD no frequency). This sequence change replaces alanine, which is neutral and non-polar, with glutamic acid, which is acidic and polar, at codon 1719 of the TSC2 protein (p.Ala1719Glu).